The following is an entry in ClinVar:

NM_080680.3(COL11A2):c.4498G>T (p.Val1500Leu)

Gene: COL11A2 (collagen type XI alpha 2 chain; minus strand). Cytogenetic location: 6p21.32.
Variant type: single nucleotide variant.
Coding change: c.4498G>T on transcript NM_080680.3 (MANE Select); coding-DNA position 4498, G replaced by T.
Protein change: p.Val1500Leu; replaces valine 1500 with leucine.
Molecular consequence: missense variant.
Genome position (GRCh38, 1-based): chr6:33,165,801, C>A on the plus strand (G>T on the coding strand, the complement: COL11A2 is on the minus strand). VCF-style: chr6-33165801-C-A. GRCh37 (hg19) VCF-style: chr6-33133578-C-A.
Other names: c.4177G>T, p.Val1393Leu (NM_080679.3); c.4240G>T, p.Val1414Leu (NM_080681.3); short protein forms V1393L, V1414L, V1500L.
Identifiers: ClinVar variation 1311725 (VCV001311725.2), dbSNP rs1769045378, ClinGen allele CA363619298.

ClinVar aggregate classification (germline): Uncertain significance (1 of 4 stars; one submission).

Allele frequency attached by ClinVar (database versions not stated): gnomAD 0.00001.
gnomAD v4.1: 1 of 1,613,366 alleles (0.000062%); highest among the groups gnomAD compares: African/African-American, 0.0013%; no homozygotes.

Submission:

GeneDx
Classification: Uncertain significance. Last evaluated: 2020-10-05. Review status: criteria provided, single submitter. Criteria: GeneDx Variant Classification Process June 2021. Collection method: clinical testing. Allele origin: germline. Affected: yes.
Comment: Not observed in large population cohorts (Lek et al., 2016); In silico analysis, which includes protein predictors and evolutionary conservation, supports that this variant does not alter protein structure/function; Has not been previously published as pathogenic or benign to our knowledge